The following is an entry in ClinVar:

ClinVar aggregate classification (germline): Benign (1 of 4 stars; one submission).

Conditions:
Melanoma-pancreatic cancer syndrome. Identifiers: Orphanet 404560, MedGen C1838547, MONDO:0011713, OMIM 606719. Disease mechanism: loss of function.

Submission:

Myriad Genetics, Inc.
Classification: Benign for Melanoma-pancreatic cancer syndrome. Last evaluated: 2025-08-12. Review status: criteria provided, single submitter. Criteria: Myriad Autosomal Dominant, Autosomal Recessive and X-Linked Classification Criteria (2023). Collection method: clinical testing. Allele origin: unknown.
Comment: This variant is considered benign. This variant is a silent/synonymous amino acid change and it is not expected to impact splicing.

NM_058195.4(CDKN2A):c.6G>A (p.Val2=)

Gene: CDKN2A (cyclin dependent kinase inhibitor 2A; minus strand). Cytogenetic location: 9p21.3.
Variant type: single nucleotide variant.
Coding change: c.6G>A on transcript NM_058195.4 (MANE Plus Clinical); coding-DNA position 6, G replaced by A.
Protein change: p.Val2=; no amino-acid change (valine 2 retained).
Molecular consequence: synonymous variant. On other transcripts: intron variant (1).
Genome position (GRCh38, 1-based): chr9:21,994,326, C>T on the plus strand (G>A on the coding strand, the complement: CDKN2A is on the minus strand). VCF-style: chr9-21994326-C-T. GRCh37 (hg19) VCF-style: chr9-21994325-C-T.
Other names: c.-4+495G>A (NM_001363763.2).
Identifiers: ClinVar variation 4294181 (VCV004294181.1).
Genomic context (GRCh38, chr9:21,994,326, plus strand): 5'-AACCCTCACTCGCGGCGGGCCGCACGCGCGCCGAATCCGGAGGGTCACCAAGAACCTGCG[C>T]ACCATGTTCTCGCCGCCTCCAGGGCCGAGCTCGGCAGCCGCTGCGCCGCCCTTTGGCACC-3'
Protein context (NP_478102.2, residues 1-12): M[Val2=]RRFLVTLRIR